The following is an entry in ClinVar:

ClinVar aggregate classification (germline): Uncertain significance. Review status: criteria provided, multiple submitters, no conflicts (2 of 4 stars). 2 submissions from 2 submitters: Uncertain significance (2). Last evaluated 2024-10-29.

Conditions:
Mendelian susceptibility to mycobacterial diseases due to complete IL12RB1 deficiency. Also called: IL12RB1 DEFICIENCY; Immunodeficiency 30. Identifiers: Orphanet 319552, MedGen C4013949, MONDO:0013955, OMIM 614891.

Allele frequency attached by ClinVar (database versions not stated): TOPMed 0.00010; gnomAD 0.00014; gnomAD exomes 0.00014 and 0.00015; ESP Exome Variant Server 0.00015; ExAC 0.00023.

Submissions (2):

Blueprint Genetics
Classification: Uncertain significance. Last evaluated: 2024-10-29. Review status: criteria provided, single submitter. Criteria: ACMG Guidelines, 2015. Collection method: clinical testing. Allele origin: germline.

Labcorp Genetics (formerly Invitae), Labcorp
Classification: Uncertain significance for Mendelian susceptibility to mycobacterial diseases due to complete IL12RB1 deficiency. Last evaluated: 2022-10-17. Review status: criteria provided, single submitter. Criteria: Invitae Variant Classification Sherloc (09022015). Collection method: clinical testing. Allele origin: germline.
Comment: This sequence change replaces alanine, which is neutral and non-polar, with valine, which is neutral and non-polar, at codon 44 of the IL12RB1 protein (p.Ala44Val). This variant is present in population databases (rs372265041, gnomAD 0.03%). This variant has not been reported in the literature in individuals affected with IL12RB1-related conditions. ClinVar contains an entry for this variant (Variation ID: 657241). Advanced modeling of protein sequence and biophysical properties (such as structural, functional, and spatial information, amino acid conservation, physicochemical variation, residue mobility, and thermodynamic stability) performed at Invitae indicates that this missense variant is not expected to disrupt IL12RB1 protein function. In summary, the available evidence is currently insufficient to determine the role of this variant in disease. Therefore, it has been classified as a Variant of Uncertain Significance.

NM_005535.3(IL12RB1):c.131C>T (p.Ala44Val)

Gene: IL12RB1 (interleukin 12 receptor subunit beta 1; minus strand). Cytogenetic location: 19p13.11.
Variant type: single nucleotide variant.
Coding change: c.131C>T on transcript NM_005535.3 (MANE Select); coding-DNA position 131, C replaced by T.
Protein change: p.Ala44Val; replaces alanine 44 with valine.
Molecular consequence: missense variant.
Genome position (GRCh38, 1-based): chr19:18,082,258, G>A on the plus strand (C>T on the coding strand, the complement: IL12RB1 is on the minus strand). VCF-style: chr19-18082258-G-A. GRCh37 (hg19) VCF-style: chr19-18193068-G-A.
Other names: c.131C>T, p.Ala44Val (NM_001290023.2, NM_153701.3); c.251C>T, p.Ala84Val (NM_001290024.2); short protein forms A44V, A84V.
Identifiers: ClinVar variation 657241 (VCV000657241.7), dbSNP rs372265041, ClinGen allele CA9305326.